The following is an entry in ClinVar:

ClinVar aggregate classification (germline): Likely benign. Review status: criteria provided, multiple submitters, no conflicts (2 of 4 stars). 2 submissions from 2 submitters: Likely benign (2). Last evaluated 2026-02-16.

Conditions:
DYRK1B-related disorder. Also called: DYRK1B-related condition.

gnomAD v4.1: 4 of 1,613,968 alleles (0.00025%); highest among the groups gnomAD compares: Admixed American, 0.0033%; no homozygotes.

Submissions (2):

PreventionGenetics, part of Exact Sciences
Classification: Likely benign for DYRK1B-related condition. Last evaluated: 2026-02-16. Review status: criteria provided, single submitter. Criteria: ACMG Guidelines, 2015. Collection method: clinical testing. Allele origin: germline.
Comment: This variant is classified as likely benign based on ACMG/AMP sequence variant interpretation guidelines (Richards et al. 2015 PMID: 25741868, with internal and published modifications).

Labcorp Genetics (formerly Invitae), Labcorp
Classification: Likely benign. Last evaluated: 2025-01-06. Review status: criteria provided, single submitter. Criteria: Invitae Variant Classification Sherloc (09022015). Collection method: clinical testing. Allele origin: germline.

NM_004714.3(DYRK1B):c.381A>G (p.Lys127=)

Gene: DYRK1B (dual specificity tyrosine phosphorylation regulated kinase 1B; minus strand). Cytogenetic location: 19q13.2.
Variant type: single nucleotide variant.
Coding change: c.381A>G on transcript NM_004714.3 (MANE Select); coding-DNA position 381, A replaced by G.
Protein change: p.Lys127=; no amino-acid change (lysine 127 retained).
Molecular consequence: synonymous variant.
Genome position (GRCh38, 1-based): chr19:39,830,019, T>C on the plus strand (A>G on the coding strand, the complement: DYRK1B is on the minus strand). VCF-style: chr19-39830019-T-C. GRCh37 (hg19) VCF-style: chr19-40320659-T-C.
Other names: c.381A>G, p.Lys127= (NM_006483.3, NM_006484.3); c.381A>G (NM_004714.2).
Identifiers: ClinVar variation 3684322 (VCV003684322.3).
Genomic context (GRCh38, chr19:39,830,019, plus strand): 5'-AGCCTTTTTGTTCTTGATGATCTTGATGGCCACAAGCTCCTGGGTCTGATGATCATAGGC[T>C]TTCACCACCTGTTGGGGCAGGGCATGTCACGAAGAAAGGGGTGGGAGCAGGGCAGAGCCA-3'
Protein context (NP_004705.1, residues 117-137): IGKGSFGQVV[Lys127=]AYDHQTQELV